The following is an entry in ClinVar:

ClinVar aggregate classification (germline): Likely benign. Review status: criteria provided, multiple submitters, no conflicts (2 of 4 stars). 4 submissions from 4 submitters: Likely benign (3). 1 of the submissions does not count toward it. Last evaluated 2025-11-19.

Conditions:
ACE-related disorder. Also called: ACE-related condition; ACE-related disorders.

Allele frequency attached by ClinVar (database versions not stated): gnomAD exomes 0.00017 and 0.00043; ExAC 0.00059; gnomAD 0.00178 and 0.00195; ESP Exome Variant Server 0.00192; TOPMed 0.00198; 1000 Genomes Project 0.00200; 1000 Genomes Project 30x 0.00219.
gnomAD v4.1: 529 of 1,613,334 alleles (0.033%); highest among the groups gnomAD compares: African/African-American, 0.62%; 2 homozygotes.

Submissions (4):

Labcorp Genetics (formerly Invitae), Labcorp
Classification: Likely benign. Last evaluated: 2025-11-19. Review status: criteria provided, single submitter. Criteria: Invitae Variant Classification Sherloc (09022015). Collection method: clinical testing. Allele origin: germline.

Blueprint Genetics
Classification: Likely benign. Last evaluated: 2024-11-11. Review status: criteria provided, single submitter. Criteria: ACMG Guidelines, 2015. Collection method: clinical testing. Allele origin: germline.

Breakthrough Genomics
Classification: Likely benign. Review status: criteria provided, single submitter. Criteria: ACMG Guidelines, 2015. Collection method: not provided. Allele origin: germline. Inheritance: Autosomal recessive inheritance. Affected: yes.

PreventionGenetics, part of Exact Sciences
Classification: Likely benign for ACE-related condition. Last evaluated: 2021-05-05. Review status: no assertion criteria provided. Collection method: clinical testing. Allele origin: germline. Not counted in ClinVar's aggregate classification.
Comment: This variant is classified as likely benign based on ACMG/AMP sequence variant interpretation guidelines (Richards et al. 2015 PMID: 25741868, with internal and published modifications).

NM_000789.4(ACE):c.547G>A (p.Ala183Thr)

Gene: ACE (angiotensin I converting enzyme; plus strand). Cytogenetic location: 17q23.3.
Variant type: single nucleotide variant.
Coding change: c.547G>A on transcript NM_000789.4 (MANE Select); coding-DNA position 547, G replaced by A.
Protein change: p.Ala183Thr; replaces alanine 183 with threonine.
Molecular consequence: missense variant.
Genome position (GRCh38, 1-based): chr17:63,479,804, G>A. VCF-style: chr17-63479804-G-A. GRCh37 (hg19) VCF-style: chr17-61557165-G-A.
Other names: short protein forms A183T.
Identifiers: ClinVar variation 711660 (VCV000711660.12), dbSNP rs12720754, ClinGen allele CA8699134.